The following is an entry in ClinVar:

NM_014975.3(MAST1):c.2513C>T (p.Pro838Leu)

Genes: MAST1 (microtubule associated serine/threonine kinase 1; plus strand), LOC112543452 (Sharpr-MPRA regulatory region 6054; plus strand). Cytogenetic location: 19p13.13.
Variant type: single nucleotide variant.
Coding change: c.2513C>T on transcript NM_014975.3 (MANE Select); coding-DNA position 2513, C replaced by T.
Protein change: p.Pro838Leu; replaces proline 838 with leucine.
Molecular consequence: missense variant.
Genome position (GRCh38, 1-based): chr19:12,867,924, C>T. VCF-style: chr19-12867924-C-T. GRCh37 (hg19) VCF-style: chr19-12978738-C-T.
Other names: short protein forms P838L.
Identifiers: ClinVar variation 3899640 (VCV003899640.1).

ClinVar aggregate classification (germline): Uncertain significance (1 of 4 stars; one submission).

Submission:

GeneDx
Classification: Uncertain significance. Last evaluated: 2024-11-15. Review status: criteria provided, single submitter. Criteria: GeneDx Variant Classification Process June 2021. Collection method: clinical testing. Allele origin: germline. Affected: yes.
Comment: Not observed at significant frequency in large population cohorts (gnomAD); In silico analysis supports that this missense variant has a deleterious effect on protein structure/function; Has not been previously published as pathogenic or benign to our knowledge